The following is an entry in ClinVar:

ClinVar aggregate classification (germline): Uncertain significance (1 of 4 stars; one submission).

Allele frequency attached by ClinVar (database versions not stated): gnomAD exomes below 0.00001; gnomAD 0.00001.
gnomAD v4.1: 6 of 1,613,868 alleles (0.00037%); highest among the groups gnomAD compares: Admixed American, 0.005%; no homozygotes.

Submission:

Labcorp Genetics (formerly Invitae), Labcorp
Classification: Uncertain significance. Last evaluated: 2025-10-01. Review status: criteria provided, single submitter. Criteria: Invitae Variant Classification Sherloc (09022015). Collection method: clinical testing. Allele origin: germline.
Comment: This sequence change falls in intron 8 of the UBR1 gene. It does not directly change the encoded amino acid sequence of the UBR1 protein. It affects a nucleotide within the consensus splice site. This variant is present in population databases (no rsID available, gnomAD 0.009%). This variant has not been reported in the literature in individuals affected with UBR1-related conditions. ClinVar contains an entry for this variant (Variation ID: 2168677). Variants that disrupt the consensus splice site are a relatively common cause of aberrant splicing (PMID: 17576681, 9536098). Algorithms developed to predict the effect of sequence changes on RNA splicing suggest that this variant is not likely to affect RNA splicing. In summary, the available evidence is currently insufficient to determine the role of this variant in disease. Therefore, it has been classified as a Variant of Uncertain Significance.

Literature cited by the submitters: PubMed 17576681; PubMed 9536098.

NM_174916.3(UBR1):c.985+4A>C

Gene: UBR1 (ubiquitin protein ligase E3 component n-recognin 1; minus strand). Cytogenetic location: 15q15.2.
Variant type: single nucleotide variant.
Coding change: c.985+4A>C on transcript NM_174916.3 (MANE Select); 4 bases into the intron after coding-DNA position 985, A replaced by C.
Molecular consequence: intron variant.
Genome position (GRCh38, 1-based): chr15:43,059,698, T>G on the plus strand (A>C on the coding strand, the complement: UBR1 is on the minus strand). VCF-style: chr15-43059698-T-G. GRCh37 (hg19) VCF-style: chr15-43351896-T-G.
Identifiers: ClinVar variation 2168677 (VCV002168677.4), dbSNP rs1050419942, ClinGen allele CA269939333.